The following is an entry in ClinVar:

ClinVar aggregate classification (germline): Uncertain significance. Review status: criteria provided, single submitter (1 of 4 stars). 3 submissions from 2 submitters: Uncertain significance (2). 1 of the submissions does not count toward it.

Conditions:
Transitory neonatal diabetes mellitus. Also called: Transient neonatal diabetes mellitus. Identifiers: MedGen C0342273, MONDO:0020525, HP:0008255.
Maturity-onset diabetes of the young (MODY). Also called: Maturity onset diabetes mellitus in young. Identifiers: Orphanet 552, MedGen C0342276, MONDO:0018911, HP:0004904.
Hyperinsulinemic hypoglycemia, familial, 1 (HHF1). Also called: Persistent Hyperinsulinemia Hypoglycemia of Infancy; HYPERINSULINISM, FAMILIAL, WITH PANCREATIC NESIDIOBLASTOSIS; HYPOGLYCEMIA, HYPERINSULINEMIC, OF INFANCY; NESIDIOBLASTOSIS OF PANCREAS; Persistent hyperinsulinemic hypoglycemia of infancy. Identifiers: Orphanet 276575, Orphanet 276598, MedGen C2931832, MONDO:0009734, OMIM 256450.

Submissions (3):

Clinical Genomics, Uppaluri K&H Personalized Medicine Clinic
Classification: Uncertain significance for Maturity-onset diabetes of the young. Review status: criteria provided, single submitter. Criteria: K & H Uppaluri Personalized Medicine Clinic Variant Classification & Assertion Criteria_Updated V.1. Collection method: research. Allele origin: unknown. Inheritance: Somatic mutation.
Comment: Mutations in ABCC8 gene are associated with both neonatal diabetes mellitus as well as MODY. Patients with this mutation may have a better response to sulfonylureas. However, no sufficient evidence is found to ascertain the role of this particular variant ( rs1057517019) in MODY yet.

Clinical Genomics, Uppaluri K&H Personalized Medicine Clinic
Classification: Uncertain significance for Transitory neonatal diabetes mellitus. Review status: criteria provided, single submitter. Criteria: K & H Uppaluri Personalized Medicine Clinic Variant Classification & Assertion Criteria_Updated V.1. Collection method: research. Allele origin: unknown. Inheritance: Somatic mutation.
Comment: Mutations in ABCC8 gene are associated with both neonatal diabetes mellitus as well as MODY. Patients with this mutation may have a better response to sulfonylureas. However, no sufficient evidence is found to ascertain the role of this particular variant ( rs1057517019) in neonatal diabetes yet.

Counsyl
Classification: Likely pathogenic for Hyperinsulinemic hypoglycemia, familial, 1. Last evaluated: 2016-07-06. Review status: no assertion criteria provided. Collection method: clinical testing. Allele origin: unknown. Not counted in ClinVar's aggregate classification.

Literature cited by the submitters: PubMed 16885549 (cited by Clinical Genomics, Uppaluri K&H Personalized Medicine Clinic); PubMed 21989597 (cited by Clinical Genomics, Uppaluri K&H Personalized Medicine Clinic); PubMed 27538677 (cited by Clinical Genomics, Uppaluri K&H Personalized Medicine Clinic); PubMed 18981553 (cited by Clinical Genomics, Uppaluri K&H Personalized Medicine Clinic); PubMed 32027066 (cited by Clinical Genomics, Uppaluri K&H Personalized Medicine Clinic); PubMed 16613899 (cited by Clinical Genomics, Uppaluri K&H Personalized Medicine Clinic); PubMed 18025408 (cited by Clinical Genomics, Uppaluri K&H Personalized Medicine Clinic); PubMed 32792356 (cited by Clinical Genomics, Uppaluri K&H Personalized Medicine Clinic).

NM_000352.6(ABCC8):c.2683dup (p.His895fs)

Gene: ABCC8 (ATP binding cassette subfamily C member 8; minus strand). Cytogenetic location: 11p15.1.
Variant type: Duplication.
Coding change: c.2683dup on transcript NM_000352.6 (MANE Select); coding-DNA position 2683, one base duplicated (C; older notation c.2683dupC).
Protein change: p.His895fs; shifts the reading frame from histidine 895.
Molecular consequence: frameshift variant. On other transcripts: non-coding transcript variant (1).
Genome position (GRCh38, 1-based): chr11:17,410,527, G duplicated on the plus strand (C on the coding strand, the reverse complement: ABCC8 is on the minus strand); the first of 4 consecutive G bases (chr11:17,410,527-17,410,530); duplicating any one gives the same sequence. VCF-style (leftmost placement, unchanged base first): chr11-17410526-T-TG. GRCh37 (hg19) VCF-style: chr11-17432073-T-TG.
Other names: c.2686dup, p.His896fs (NM_001287174.3); c.2749dup, p.His917fs (NM_001351295.2); c.2683dup, p.His895fs (NM_001351296.2); c.2680dup, p.His894fs (NM_001351297.2); short protein forms H894fs, H895fs, H896fs, H917fs.
Identifiers: ClinVar variation 371115 (VCV000371115.4), dbSNP rs1057517019, ClinGen allele CA16041447.